The following is an entry in ClinVar:

ClinVar aggregate classification (germline): Pathogenic/Likely pathogenic. Review status: criteria provided, multiple submitters, no conflicts (2 of 4 stars). 4 submissions from 4 submitters: Pathogenic (2); Likely pathogenic (2). Last evaluated 2026-05-05.

Conditions:
Cardiovascular phenotype. Identifiers: MedGen CN230736.
Telangiectasia, hereditary hemorrhagic, type 2 (HHT2). Also called: Telangiectasia, hereditary hemorrhagic, type II; ACVRL1-Related Hereditary Hemorrhagic Telangiectasia. Identifiers: Orphanet 774, MedGen C1838163, MONDO:0010880, OMIM 600376. Disease mechanism: loss of function.

Submissions (4):

Ambry Genetics
Classification: Likely pathogenic for Cardiovascular phenotype. Last evaluated: 2026-05-05. Review status: criteria provided, single submitter. Criteria: Ambry Variant Classification Scheme 2023. Collection method: clinical testing. Allele origin: germline.
Comment: The p.C69F variant (also known as c.206G>T), located in coding exon 2 of the ACVRL1 gene, results from a G to T substitution at nucleotide position 206. The cysteine at codon 69 is replaced by phenylalanine, an amino acid with highly dissimilar properties. This variant was reported in individual(s) with features consistent with hereditary hemorrhagic telangiectasia (HHT) (McDonald J et al. Clin Genet, 2011 Apr;79:335-44; Ambry internal data). Other variant(s) at the same codon, p.C69R (c.205T>C), have been identified in individual(s) with features consistent with HHT (Argyriou L et al. Int J Mol Med. 2006;17(4):655-9). This amino acid position is well conserved in available vertebrate species. In addition, this alteration is predicted to be deleterious by in silico analysis. This variant is considered to be rare based on population cohorts in the Genome Aggregation Database (gnomAD). Based on the majority of available evidence to date, this variant is likely to be pathogenic.

Labcorp Genetics (formerly Invitae), Labcorp
Classification: Pathogenic for Telangiectasia, hereditary hemorrhagic, type 2. Last evaluated: 2025-08-30. Review status: criteria provided, single submitter. Criteria: Invitae Variant Classification Sherloc (09022015). Collection method: clinical testing. Allele origin: germline.
Comment: This sequence change replaces cysteine, which is neutral and slightly polar, with phenylalanine, which is neutral and non-polar, at codon 69 of the ACVRL1 protein (p.Cys69Phe). This variant is not present in population databases (gnomAD no frequency). This missense change has been observed in individuals with ACVRL1-related disease (PMID: 21158752; internal data). ClinVar contains an entry for this variant (Variation ID: 533353). Invitae Evidence Modeling of protein sequence and biophysical properties (such as structural, functional, and spatial information, amino acid conservation, physicochemical variation, residue mobility, and thermodynamic stability) indicates that this missense variant is expected to disrupt ACVRL1 protein function with a positive predictive value of 95%. This variant affects a cysteine residue located within the ACVRL1 protein ectodomain. Cysteine residues in this domain of ACVRL1 are involved in the formation of disulfide bridges critical for protein structure and stability (PMID: 22028876, 22718755, 22799562). In addition, missense substitutions within the ACVRL1 ectodomain affecting cysteine residues are overrepresented in patients with HHT (PMID: 20501893, 26176610 and an online resource). This variant disrupts the p.Cys69 amino acid residue in ACVRL1. Other variant(s) that disrupt this residue have been observed in individuals with ACVRL1-related conditions (PMID: 16525724), which suggests that this may be a clinically significant amino acid residue. For these reasons, this variant has been classified as Pathogenic.

Fulgent Genetics
Classification: Likely pathogenic for Telangiectasia, hereditary hemorrhagic, type 2. Last evaluated: 2021-07-07. Review status: criteria provided, single submitter. Criteria: ACMG Guidelines, 2015. Collection method: clinical testing. Allele origin: unknown.

Genetic Services Laboratory, University of Chicago
Classification: Pathogenic. Last evaluated: 2017-08-02. Review status: criteria provided, single submitter. Criteria: ACMG Guidelines, 2015. Collection method: clinical testing. Allele origin: germline. Affected: yes.

Literature cited by the submitters: PubMed 21158752 (cited by Ambry Genetics and Labcorp Genetics (formerly Invitae), Labcorp); PubMed 22028876 (cited by Labcorp Genetics (formerly Invitae), Labcorp); PubMed 22718755 (cited by Labcorp Genetics (formerly Invitae), Labcorp); PubMed 22799562 (cited by Labcorp Genetics (formerly Invitae), Labcorp); PubMed 20501893 (cited by Labcorp Genetics (formerly Invitae), Labcorp); PubMed 26176610 (cited by Labcorp Genetics (formerly Invitae), Labcorp); PubMed 16525724 (cited by Labcorp Genetics (formerly Invitae), Labcorp).

NM_000020.3(ACVRL1):c.206G>T (p.Cys69Phe)

Gene: ACVRL1 (activin A receptor like type 1; plus strand). Cytogenetic location: 12q13.13.
Variant type: single nucleotide variant.
Coding change: c.206G>T on transcript NM_000020.3 (MANE Select); coding-DNA position 206, G replaced by T.
Protein change: p.Cys69Phe; replaces cysteine 69 with phenylalanine.
Molecular consequence: missense variant.
Genome position (GRCh38, 1-based): chr12:51,913,243, G>T. VCF-style: chr12-51913243-G-T. GRCh37 (hg19) VCF-style: chr12-52307027-G-T.
Other names: c.206G>T, p.Cys69Phe (NM_001077401.2); short protein forms C69F.
Identifiers: ClinVar variation 533353 (VCV000533353.14), dbSNP rs1318118188, ClinGen allele CA384897900.